The following is an entry in ClinVar:

ClinVar aggregate classification (germline): Uncertain significance (1 of 4 stars; one submission).

Submission:

GeneDx
Classification: Uncertain significance. Last evaluated: 2026-02-18. Review status: criteria provided, single submitter. Criteria: GeneDx Variant Classification Process June 2021. Collection method: clinical testing. Allele origin: germline.
Comment: Not observed at significant frequency in large population cohorts (gnomAD); In silico analysis suggests that this missense variant does not alter protein structure/function; Has not been previously published as pathogenic or benign to our knowledge

NM_001039591.3(USP9X):c.2279C>T (p.Ala760Val)

Gene: USP9X (ubiquitin specific peptidase 9 X-linked; plus strand). Cytogenetic location: Xp11.4.
Variant type: single nucleotide variant.
Coding change: c.2279C>T on transcript NM_001039591.3 (MANE Select); coding-DNA position 2279, C replaced by T.
Protein change: p.Ala760Val; replaces alanine 760 with valine.
Molecular consequence: missense variant.
Genome position (GRCh38, 1-based): chrX:41,166,165, C>T. VCF-style: chrX-41166165-C-T. GRCh37 (hg19) VCF-style: chrX-41025418-C-T.
Other names: c.2279C>T, p.Ala760Val (NM_001039590.3); c.2294C>T, p.Ala765Val (NM_001410748.1, NM_001410749.1, NM_001437534.1); short protein forms A760V, A765V.
Identifiers: ClinVar variation 4975431 (VCV004975431.1).